The following is an entry in ClinVar:

ClinVar aggregate classification (germline): Uncertain significance (1 of 4 stars; one submission).

Conditions:
Autosomal recessive hypohidrotic ectodermal dysplasia syndrome. Also called: Autosomal recessive hypohidrotic ectodermal dysplasia. Identifiers: Orphanet 248, MedGen C0406702, MONDO:0016619.
Ectodermal dysplasia 10A, hypohidrotic/hair/nail type, autosomal dominant (ECTD10A). Also called: Ectodermal Dysplasia 3, Anhidrotic. Identifiers: Orphanet 1810, Orphanet 238468, MedGen C3888065, MONDO:0007509, OMIM 129490.

Submission:

Labcorp Genetics (formerly Invitae), Labcorp
Classification: Uncertain significance for Ectodermal dysplasia 10A, hypohidrotic/hair/nail type, autosomal dominant; Autosomal recessive hypohidrotic ectodermal dysplasia syndrome. Last evaluated: 2024-03-22. Review status: criteria provided, single submitter. Criteria: Invitae Variant Classification Sherloc (09022015). Collection method: clinical testing. Allele origin: germline.
Comment: This sequence change falls in intron 7 of the EDAR gene. It does not directly change the encoded amino acid sequence of the EDAR protein. This variant is not present in population databases (gnomAD no frequency). This variant has been observed in individual(s) with ectodermal dysplasia (Invitae). Algorithms developed to predict the effect of sequence changes on RNA splicing suggest that this variant may disrupt the consensus splice site. In summary, the available evidence is currently insufficient to determine the role of this variant in disease. Therefore, it has been classified as a Variant of Uncertain Significance.

NM_022336.4(EDAR):c.656-11TC[2]

Genes: EDAR (ectodysplasin A receptor; minus strand), RANBP2 (RAN binding protein 2; plus strand). Cytogenetic location: 2q13.
Variant type: Microsatellite.
Coding change: c.656-11TC[2] on transcript NM_022336.4 (MANE Select); two copies in a row of the 2-base unit TC starting at c.656-11; the reference has three copies in a row; one copy, 2 bases deleted.
Molecular consequence: intron variant.
Genome position (GRCh38, 1-based): chr2:108,910,856-108,910,857, GA deleted on the plus strand (TC on the coding strand, the reverse complement: EDAR is on the minus strand); deleting any 2 consecutive bases within chr2:108,910,856-108,910,862 gives the same sequence; the position shown is the placement nearest the transcript's 3' end. VCF-style (leftmost placement, unchanged base first): chr2-108910855-GGA-G. GRCh37 (hg19) VCF-style: chr2-109527311-GGA-G.
Identifiers: ClinVar variation 3753388 (VCV003753388.2).